The following is an entry in ClinVar:

ClinVar aggregate classification (germline): Uncertain significance. Review status: criteria provided, multiple submitters, no conflicts (2 of 4 stars). 2 submissions from 2 submitters: Uncertain significance (2). Last evaluated 2025-06-17.

Submissions (2):

GeneDx
Classification: Uncertain significance. Last evaluated: 2025-06-17. Review status: criteria provided, single submitter. Criteria: GeneDx Variant Classification Process June 2021. Collection method: clinical testing. Allele origin: germline. Affected: yes.
Comment: In silico analysis supports that this missense variant has a deleterious effect on protein structure/function; Not observed at significant frequency in large population cohorts (gnomAD); Has not been previously published as pathogenic or benign to our knowledge

Labcorp Genetics (formerly Invitae), Labcorp
Classification: Uncertain significance. Last evaluated: 2024-02-25. Review status: criteria provided, single submitter. Criteria: Invitae Variant Classification Sherloc (09022015). Collection method: clinical testing. Allele origin: germline.
Comment: This sequence change replaces cysteine, which is neutral and slightly polar, with arginine, which is basic and polar, at codon 131 of the FBLN5 protein (p.Cys131Arg). This variant is not present in population databases (gnomAD no frequency). This missense change has been observed in individual(s) with clinical features of autosomal recessive FBLN5-related conditions (external communication). Advanced modeling of protein sequence and biophysical properties (such as structural, functional, and spatial information, amino acid conservation, physicochemical variation, residue mobility, and thermodynamic stability) performed at Invitae indicates that this missense variant is expected to disrupt FBLN5 protein function with a positive predictive value of 80%. In summary, the available evidence is currently insufficient to determine the role of this variant in disease. Therefore, it has been classified as a Variant of Uncertain Significance.

NM_006329.4(FBLN5):c.391T>C (p.Cys131Arg)

Gene: FBLN5 (fibulin 5; minus strand). Cytogenetic location: 14q32.12.
Variant type: single nucleotide variant.
Coding change: c.391T>C on transcript NM_006329.4 (MANE Select); coding-DNA position 391, T replaced by C.
Protein change: p.Cys131Arg; replaces cysteine 131 with arginine.
Molecular consequence: missense variant.
Genome position (GRCh38, 1-based): chr14:91,895,061, A>G on the plus strand (T>C on the coding strand, the complement: FBLN5 is on the minus strand). VCF-style: chr14-91895061-A-G. GRCh37 (hg19) VCF-style: chr14-92361405-A-G.
Other names: c.514T>C, p.Cys172Arg (NM_001384158.1); c.442T>C, p.Cys148Arg (NM_001384159.1); c.391T>C, p.Cys131Arg (NM_001384160.1); c.223T>C, p.Cys75Arg (NM_001384161.1, NM_001384162.1); short protein forms C131R, C148R, C172R, C75R.
Identifiers: ClinVar variation 3613719 (VCV003613719.3).